The following is an entry in ClinVar:

NM_001348716.2(KDM6B):c.3300del (p.Lys1101fs)

Gene: KDM6B (lysine demethylase 6B; plus strand). Cytogenetic location: 17p13.1.
Variant type: Deletion.
Coding change: c.3300del on transcript NM_001348716.2 (MANE Select); coding-DNA position 3300, one base deleted (C; older notation c.3300delC).
Protein change: p.Lys1101fs; shifts the reading frame from lysine 1101.
Molecular consequence: frameshift variant.
Genome position (GRCh38, 1-based): chr17:7,849,588, C deleted; the last of 6 consecutive C bases (chr17:7,849,583-7,849,588); deleting any one gives the same sequence. VCF-style (leftmost placement, unchanged base first): chr17-7849582-GC-G. GRCh37 (hg19) VCF-style: chr17-7752900-GC-G.
Other names: c.3300del, p.Lys1101fs (NM_001080424.2); c.3295delC (NM_001080424.2); c.3300del (NM_001080424.1); short protein forms K1101fs.
Identifiers: ClinVar variation 1704425 (VCV001704425.2), dbSNP rs1567799458, ClinGen allele CA497948108.

ClinVar aggregate classification (germline): Pathogenic. Review status: criteria provided, single submitter (1 of 4 stars). 2 submissions from 2 submitters: Pathogenic (1). 1 of the submissions does not count toward it. Last evaluated 2024-09-12.

Conditions:
Neurodevelopmental disorder with coarse facies and mild distal skeletal abnormalities. Also called: STOLERMAN NEURODEVELOPMENTAL SYNDROME. Identifiers: MedGen C5193134, MONDO:0032790, OMIM 618505.

Submissions (2):

GeneDx
Classification: Pathogenic. Last evaluated: 2024-09-12. Review status: criteria provided, single submitter. Criteria: GeneDx Variant Classification Process June 2021. Collection method: clinical testing. Allele origin: germline. Affected: yes.
Comment: Frameshift variant predicted to result in protein truncation or nonsense mediated decay in a gene for which loss of function is a known mechanism of disease; Not observed at significant frequency in large population cohorts (gnomAD); This variant is associated with the following publications: (PMID: 37196654)

Joint Genome Diagnostic Labs from Nijmegen and Maastricht, Radboudumc and MUMC+
Classification: Likely pathogenic for Neurodevelopmental disorder with coarse facies and mild distal skeletal abnormalities. Last evaluated: 2022-09-09. Review status: no assertion criteria provided. Collection method: research. Allele origin: de novo. Affected: yes. Not counted in ClinVar's aggregate classification.